The following is an entry in ClinVar:

ClinVar aggregate classification (germline): Uncertain significance (1 of 4 stars; one submission).

Submission:

Labcorp Genetics (formerly Invitae), Labcorp
Classification: Uncertain significance. Last evaluated: 2021-12-26. Review status: criteria provided, single submitter. Criteria: Invitae Variant Classification Sherloc (09022015). Collection method: clinical testing. Allele origin: germline.
Comment: In summary, the available evidence is currently insufficient to determine the role of this variant in disease. Therefore, it has been classified as a Variant of Uncertain Significance. Algorithms developed to predict the effect of missense changes on protein structure and function (SIFT, PolyPhen-2, Align-GVGD) all suggest that this variant is likely to be tolerated. This variant has not been reported in the literature in individuals affected with DSG1-related conditions. This variant is not present in population databases (gnomAD no frequency). This sequence change replaces glutamine, which is neutral and polar, with arginine, which is basic and polar, at codon 82 of the DSG1 protein (p.Gln82Arg).

NM_001942.4(DSG1):c.245A>G (p.Gln82Arg)

Gene: DSG1 (desmoglein 1; plus strand). Cytogenetic location: 18q12.1.
Variant type: single nucleotide variant.
Coding change: c.245A>G on transcript NM_001942.4 (MANE Select); coding-DNA position 245, A replaced by G.
Protein change: p.Gln82Arg; replaces glutamine 82 with arginine.
Molecular consequence: missense variant.
Genome position (GRCh38, 1-based): chr18:31,328,217, A>G. VCF-style: chr18-31328217-A-G. GRCh37 (hg19) VCF-style: chr18-28908180-A-G.
Other names: short protein forms Q82R.
Identifiers: ClinVar variation 2061488 (VCV002061488.4), dbSNP rs2511043868, ClinGen allele CA402128072.
Genomic context (GRCh38, chr18:31,328,217, plus strand): 5'-CTCTAATATTTTTACTTGTGTTCCTTCTGCAGATTCACTCAGATTGTGCTGCAAACCAGC[A>G]AGTTACATACCGCATCTCTGGAGTAGGAATTGATCAGCCACCATATGGGATCTTTGTCAT-3'
Protein context (NP_001933.2, residues 72-92): KIHSDCAANQ[Gln82Arg]VTYRISGVGI